The following is an entry in ClinVar:

ClinVar aggregate classification (germline): Uncertain significance (1 of 4 stars; one submission).

Allele frequency attached by ClinVar (database versions not stated): gnomAD exomes below 0.00001; TOPMed below 0.00001; gnomAD 0.00001.
gnomAD v4.1: 3 of 1,613,938 alleles (0.00019%); highest among the groups gnomAD compares: East Asian, 0.0022%; no homozygotes.

Submission:

Labcorp Genetics (formerly Invitae), Labcorp
Classification: Uncertain significance. Last evaluated: 2021-12-02. Review status: criteria provided, single submitter. Criteria: Invitae Variant Classification Sherloc (09022015). Collection method: clinical testing. Allele origin: germline.
Comment: This sequence change replaces alanine, which is neutral and non-polar, with threonine, which is neutral and polar, at codon 283 of the PTPN23 protein (p.Ala283Thr). This variant is not present in population databases (gnomAD no frequency). This variant has not been reported in the literature in individuals affected with PTPN23-related conditions. Algorithms developed to predict the effect of missense changes on protein structure and function are either unavailable or do not agree on the potential impact of this missense change (SIFT: "Tolerated"; PolyPhen-2: "Not Available"; Align-GVGD: "Class C0"). In summary, the available evidence is currently insufficient to determine the role of this variant in disease. Therefore, it has been classified as a Variant of Uncertain Significance.

NM_015466.4(PTPN23):c.847G>A (p.Ala283Thr)

Gene: PTPN23 (protein tyrosine phosphatase non-receptor type 23; plus strand). Cytogenetic location: 3p21.31.
Variant type: single nucleotide variant.
Coding change: c.847G>A on transcript NM_015466.4 (MANE Select); coding-DNA position 847, G replaced by A.
Protein change: p.Ala283Thr; replaces alanine 283 with threonine.
Molecular consequence: missense variant.
Genome position (GRCh38, 1-based): chr3:47,407,169, G>A. VCF-style: chr3-47407169-G-A. GRCh37 (hg19) VCF-style: chr3-47448659-G-A.
Other names: c.469G>A, p.Ala157Thr (NM_001304482.2); short protein forms A283T, A157T.
Identifiers: ClinVar variation 1355792 (VCV001355792.3), dbSNP rs1157177955, ClinGen allele CA352546632.